The following is an entry in ClinVar:

ClinVar aggregate classification (germline): Likely benign (1 of 4 stars; one submission).

gnomAD v4.1: 49 of 1,613,806 alleles (0.003%); highest among the groups gnomAD compares: Non-Finnish European, 0.0041%; no homozygotes.

Submission:

CeGaT Center for Human Genetics Tuebingen
Classification: Likely benign. Last evaluated: 2026-08-01. Review status: criteria provided, single submitter. Criteria: CeGaT Center For Human Genetics Tuebingen Variant Classification Criteria Version 2. Collection method: clinical testing. Allele origin: germline. Affected: yes. Observed: 1 variant allele.
Comment: RFX7: BP4

NM_022841.7(RFX7):c.996G>C (p.Lys332Asn)

Gene: RFX7 (regulatory factor X7; minus strand). Cytogenetic location: 15q21.3.
Variant type: single nucleotide variant.
Coding change: c.996G>C on transcript NM_022841.7 (MANE Select); coding-DNA position 996, G replaced by C.
Protein change: p.Lys332Asn; replaces lysine 332 with asparagine.
Molecular consequence: missense variant.
Genome position (GRCh38, 1-based): chr15:56,098,192, C>G on the plus strand (G>C on the coding strand, the complement: RFX7 is on the minus strand). VCF-style: chr15-56098192-C-G. GRCh37 (hg19) VCF-style: chr15-56390390-C-G.
Other names: c.705G>C, p.Lys235Asn (NM_001368073.2, NM_001368074.1, NM_001370554.1); c.996G>C, p.Lys332Asn (NM_001370561.1); short protein forms K235N, K332N.
Identifiers: ClinVar variation 5039482 (VCV005039482.1).
Genomic context (GRCh38, chr15:56,098,192, plus strand): 5'-AAGGATTGAAGGATTTCCATTAGGAAGATTAGTCACTCCATTGCTTGTAGCACTTTCTGA[C>G]TTTTTTGCTGCAGATTCTCCTGGCAAAGGGGATTGTAGTTTCTGTTCTTGCTGCTTCTTC-3'
Protein context (NP_073752.6, residues 322-342): SPLPGESAAK[Lys332Asn]SESATSNGVT